The following is an entry in ClinVar:

NM_005609.4(PYGM):c.1119T>A (p.Cys373Ter)

Gene: PYGM (glycogen phosphorylase, muscle associated; minus strand). Cytogenetic location: 11q13.1.
Variant type: single nucleotide variant.
Coding change: c.1119T>A on transcript NM_005609.4 (MANE Select); coding-DNA position 1119, T replaced by A.
Protein change: p.Cys373Ter; replaces cysteine 373 with a stop codon.
Molecular consequence: nonsense.
Genome position (GRCh38, 1-based): chr11:64,753,999, A>T on the plus strand (T>A on the coding strand, the complement: PYGM is on the minus strand). VCF-style: chr11-64753999-A-T. GRCh37 (hg19) VCF-style: chr11-64521471-A-T.
Other names: c.855T>A, p.Cys285Ter (NM_001164716.1); short protein forms C285*, C373*.
Identifiers: ClinVar variation 1069239 (VCV001069239.11), dbSNP rs2058377004, ClinGen allele CA381176806.

ClinVar aggregate classification (germline): Pathogenic/Likely pathogenic. Review status: criteria provided, multiple submitters, no conflicts (2 of 4 stars). 3 submissions from 3 submitters: Pathogenic (1); Likely pathogenic (2). Last evaluated 2024-04-26.

Conditions:
Glycogen storage disease, type V (GSD5). Also called: MCARDLE DISEASE; MUSCLE GLYCOGEN PHOSPHORYLASE DEFICIENCY; MYOPHOSPHORYLASE DEFICIENCY; PYGM DEFICIENCY; McArdle type glycogen storage disease. Identifiers: Orphanet 368, MedGen C0017924, MONDO:0009293, OMIM 232600.

gnomAD v4.1: 1 of 1,605,534 alleles (0.000062%); highest among the groups gnomAD compares: East Asian, 0.0022%; no homozygotes.

Submissions (3):

Fulgent Genetics
Classification: Likely pathogenic for Glycogen storage disease, type V. Last evaluated: 2024-04-26. Review status: criteria provided, single submitter. Criteria: ACMG Guidelines, 2015. Collection method: clinical testing. Allele origin: germline.

Baylor Genetics
Classification: Likely pathogenic for Glycogen storage disease, type V. Last evaluated: 2024-01-06. Review status: criteria provided, single submitter. Criteria: ACMG Guidelines, 2015. Collection method: clinical testing. Allele origin: unknown.

Labcorp Genetics (formerly Invitae), Labcorp
Classification: Pathogenic for Glycogen storage disease, type V. Last evaluated: 2023-11-06. Review status: criteria provided, single submitter. Criteria: Invitae Variant Classification Sherloc (09022015). Collection method: clinical testing. Allele origin: germline.
Comment: This sequence change creates a premature translational stop signal (p.Cys373*) in the PYGM gene. It is expected to result in an absent or disrupted protein product. Loss-of-function variants in PYGM are known to be pathogenic (PMID: 8316268, 16786513). This variant is not present in population databases (gnomAD no frequency). This variant has not been reported in the literature in individuals affected with PYGM-related conditions. ClinVar contains an entry for this variant (Variation ID: 1069239). For these reasons, this variant has been classified as Pathogenic.

Literature cited by the submitters: PubMed 8316268 (cited by Labcorp Genetics (formerly Invitae), Labcorp); PubMed 16786513 (cited by Labcorp Genetics (formerly Invitae), Labcorp).